The following is an entry in ClinVar:

NM_001174147.2(LMX1B):c.952C>T (p.Gln318Ter)

Gene: LMX1B (LIM homeobox transcription factor 1 beta; plus strand). Cytogenetic location: 9q33.3.
Variant type: single nucleotide variant.
Coding change: c.952C>T on transcript NM_001174147.2 (MANE Select); coding-DNA position 952, C replaced by T.
Protein change: p.Gln318Ter; replaces glutamine 318 with a stop codon.
Molecular consequence: nonsense.
Genome position (GRCh38, 1-based): chr9:126,695,904, C>T. VCF-style: chr9-126695904-C-T. GRCh37 (hg19) VCF-style: chr9-129458183-C-T.
Other names: c.985C>T, p.Gln329Ter (NM_001174146.2); c.952C>T, p.Gln318Ter (NM_002316.4); short protein forms Q329*, Q318*.
Identifiers: ClinVar variation 4721560 (VCV004721560.1).

ClinVar aggregate classification (germline): Pathogenic (1 of 4 stars; one submission).

Submission:

Labcorp Genetics (formerly Invitae), Labcorp
Classification: Pathogenic. Last evaluated: 2025-06-17. Review status: criteria provided, single submitter. Criteria: Invitae Variant Classification Sherloc (09022015). Collection method: clinical testing. Allele origin: germline.
Comment: This sequence change creates a premature translational stop signal (p.Gln318*) in the LMX1B gene. It is expected to result in an absent or disrupted protein product. Loss-of-function variants in LMX1B are known to be pathogenic (PMID: 9590287, 15498463). This variant is not present in population databases (gnomAD no frequency). This variant has not been reported in the literature in individuals affected with LMX1B-related conditions. For these reasons, this variant has been classified as Pathogenic.

Literature cited by the submitters: PubMed 9590287; PubMed 15498463.